The following is an entry in ClinVar:

NM_005461.5(MAFB):c.509C>A (p.Ser170Ter)

Gene: MAFB (MAF bZIP transcription factor B; minus strand). Cytogenetic location: 20q12.
Variant type: single nucleotide variant.
Coding change: c.509C>A on transcript NM_005461.5 (MANE Select); coding-DNA position 509, C replaced by A.
Protein change: p.Ser170Ter; replaces serine 170 with a stop codon.
Molecular consequence: nonsense.
Genome position (GRCh38, 1-based): chr20:40,688,342, G>T on the plus strand (C>A on the coding strand, the complement: MAFB is on the minus strand). VCF-style: chr20-40688342-G-T. GRCh37 (hg19) VCF-style: chr20-39316982-G-T.
Other names: short protein forms S170*.
Identifiers: ClinVar variation 4624155 (VCV004624155.1).

ClinVar aggregate classification (germline): Pathogenic (1 of 4 stars; one submission).

Conditions:
Inborn genetic diseases. Identifiers: MedGen C0950123, MeSH D030342.

Submission:

Ambry Genetics
Classification: Pathogenic for Inborn genetic diseases. Last evaluated: 2025-09-24. Review status: criteria provided, single submitter. Criteria: Ambry Variant Classification Scheme 2023. Collection method: clinical testing. Allele origin: germline.
Comment: The c.509C>A (p.S170*) alteration, located in exon 1 (coding exon 1) of the MAFB gene, consists of a C to A substitution at nucleotide position 509. This changes the amino acid from a serine (S) to a stop codon at amino acid position 170. Premature stop codons are typically deleterious in nature; however, because MAFB is a single-exon gene, this alteration is not expected to trigger nonsense-mediated mRNA decay and a truncated protein could still be expressed (Maquat, 2004). This alteration removes the last 154 amino acids of the protein and the exact functional impact of these amino acids is unknown at this time; however, a significant portion of the protein is predicted to be affected. for MAFB-related Duane retraction syndrome; however, it is unlikely to be causative of multicentric carpotarsal osteolysis syndrome. The Genome Aggregation Database (gnomAD) data for this variant is unreliable due to technical and/or biological issues; therefore, population frequency estimates were not considered. Based on the available evidence, this alteration is classified as pathogenic.